The following is an entry in ClinVar:

NM_000152.5(GAA):c.915dup (p.Ser306fs)

Gene: GAA (alpha glucosidase; plus strand). Cytogenetic location: 17q25.3.
Variant type: Duplication.
Coding change: c.915dup on transcript NM_000152.5 (MANE Select); coding-DNA position 915, one base duplicated (G; older notation c.915dupG).
Protein change: p.Ser306fs; shifts the reading frame from serine 306.
Molecular consequence: frameshift variant.
Genome position (GRCh38, 1-based): chr17:80,107,856, G duplicated; the last of 3 consecutive G bases (chr17:80,107,854-80,107,856); duplicating any one gives the same sequence. VCF-style (leftmost placement, unchanged base first): chr17-80107853-C-CG. GRCh37 (hg19) VCF-style: chr17-78081652-C-CG.
Other names: c.915dup, p.Ser306fs (NM_001079803.3, NM_001079804.3, NM_001406741.1 and 1 more transcripts); short protein forms S306fs.
Identifiers: ClinVar variation 5011999 (VCV005011999.1).

ClinVar aggregate classification (germline): Pathogenic (1 of 4 stars; one submission).

Conditions:
Glycogen storage disease, type II (IOPD). Also called: CARDIOMEGALIA GLYCOGENICA DIFFUSA; GLYCOGENOSIS, GENERALIZED, CARDIAC FORM; GSD II; Glycogen storage disease type 2; Acid maltase deficiency disease; Aglucosidase alfa. Identifiers: Orphanet 365, MedGen C0017921, MONDO:0009290, OMIM 232300.

Submission:

Myriad Genetics, Inc.
Classification: Pathogenic for Glycogen storage disease, type II. Last evaluated: 2023-09-27. Review status: criteria provided, single submitter. Criteria: Myriad Autosomal Dominant, Autosomal Recessive and X-Linked Classification Criteria (2023). Collection method: clinical testing. Allele origin: unknown.
Comment: NM_000152.3(GAA):c.915dupG(S306Vfs*24) is expected to be pathogenic in the context of Pompe disease. This variant is predicted to lead to an abnormal or absent protein product due to the creation of a premature termination codon in GAA, a gene where loss-of-function variants are known to be pathogenic. Please note: this variant was assessed in the context of healthy population screening.